The following is an entry in ClinVar:

NM_005235.3(ERBB4):c.758A>G (p.Asn253Ser)

Gene: ERBB4 (erb-b2 receptor tyrosine kinase 4; minus strand). Cytogenetic location: 2q34.
Variant type: single nucleotide variant.
Coding change: c.758A>G on transcript NM_005235.3 (MANE Select); coding-DNA position 758, A replaced by G.
Protein change: p.Asn253Ser; replaces asparagine 253 with serine.
Molecular consequence: missense variant.
Genome position (GRCh38, 1-based): chr2:211,722,518, T>C on the plus strand (A>G on the coding strand, the complement: ERBB4 is on the minus strand). VCF-style: chr2-211722518-T-C. GRCh37 (hg19) VCF-style: chr2-212587243-T-C.
Other names: c.758A>G, p.Asn253Ser (NM_001042599.2); short protein forms N253S.
Identifiers: ClinVar variation 2224277 (VCV002224277.3), dbSNP rs955001138, ClinGen allele CA64767422.
Genomic context (GRCh38, chr2:211,722,518, plus strand): 5'-AAGGTGGTTGGATTGTAGACAAAGGTTTGGGGACACTGAGTAACACATGCTCCACTGTCA[T>C]TGAAATTCATGCAGGCCTGCAACACAGCAAATATTACTTTCATTTACAAATAAACTCATA-3'
Protein context (NP_005226.1, residues 243-263): DTDCFACMNF[Asn253Ser]DSGACVTQCP

ClinVar aggregate classification (germline): Uncertain significance (1 of 4 stars; one submission).

Conditions:
Inborn genetic diseases. Identifiers: MedGen C0950123, MeSH D030342.

Allele frequency attached by ClinVar (database versions not stated): TOPMed below 0.00001; gnomAD exomes 0.00001; gnomAD 0.00001.
gnomAD v4.1: 20 of 1,613,942 alleles (0.0012%); highest among the groups gnomAD compares: Non-Finnish European, 0.0016%; no homozygotes.

Submission:

Ambry Genetics
Classification: Uncertain significance for Inborn genetic diseases. Last evaluated: 2025-12-02. Review status: criteria provided, single submitter. Criteria: Ambry Variant Classification Scheme 2023. Collection method: clinical testing. Allele origin: germline.
Comment: The c.758A>G (p.N253S) alteration is located in exon 7 (coding exon 7) of the ERBB4 gene. This alteration results from a A to G substitution at nucleotide position 758, causing the asparagine (N) at amino acid position 253 to be replaced by a serine (S). Based on data from gnomAD, the G allele has an overall frequency of <0.001% (1/251430) total alleles studied. The highest observed frequency was 0.001% (1/113718) of European (non-Finnish) alleles. Based on insufficient or conflicting evidence, the clinical significance of this alteration remains unclear.